The following is an entry in ClinVar:

NM_004656.4(BAP1):c.634_635delinsAT (p.Glu212Met)

Gene: BAP1 (BRCA1 associated deubiquitinase 1; minus strand). Cytogenetic location: 3p21.1.
Variant type: Indel.
Coding change: c.634_635delinsAT on transcript NM_004656.4 (MANE Select); coding-DNA positions 634 to 635, GA replaced by AT.
Protein change: p.Glu212Met; replaces glutamic acid 212 with methionine.
Molecular consequence: missense variant.
Genome position (GRCh38, 1-based): chr3:52,406,853-52,406,854, TC replaced by AT on the plus strand (GA replaced by AT on the coding strand, the reverse complement: BAP1 is on the minus strand). VCF-style: chr3-52406853-TC-AT. GRCh37 (hg19) VCF-style: chr3-52440869-TC-AT.
Other names: c.634_635delinsAT, p.Glu212Met (NM_001410772.1); short protein forms E212M.
Identifiers: ClinVar variation 4867370 (VCV004867370.1).

ClinVar aggregate classification (germline): Uncertain significance (1 of 4 stars; one submission).

Conditions:
Hereditary cancer-predisposing syndrome. Also called: Neoplastic Syndromes, Hereditary; Tumor predisposition; Hereditary Cancer Syndrome; Hereditary neoplastic syndrome. Identifiers: Orphanet 140162, MedGen C0027672, MeSH D009386, MONDO:0015356.

Submission:

Ambry Genetics
Classification: Uncertain significance for Hereditary cancer-predisposing syndrome. Last evaluated: 2026-06-01. Review status: criteria provided, single submitter. Criteria: Ambry Variant Classification Scheme 2023. Collection method: clinical testing. Allele origin: germline.
Comment: The c.634_635delGAinsAT variant (also known as p.E212M), located in coding exon 8 of the BAP1 gene, results from an in-frame deletion of GA and insertion of AT at nucleotide positions 634 to 635. This results in the substitution of the glutamic acid residue for a methionine residue at codon 212, an amino acid with dissimilar properties. This amino acid position is highly conserved in available vertebrate species. In addition, the in silico prediction for this variant is inconclusive (Choi Y et al. PLoS ONE. 2012; 7(10):e46688). Based on the available evidence, the clinical significance of this variant remains unclear.